The following is an entry in ClinVar:

NR_003051.4(RMRP):n.96A>G

Gene: RMRP (RNA component of mitochondrial RNA processing endoribonuclease; minus strand). Cytogenetic location: 9p13.3.
Variant type: single nucleotide variant.
Genome position: GRCh38 VCF-style: chr9-35657924-T-C. GRCh37 (hg19) VCF-style: chr9-35657921-T-C.
Identifiers: ClinVar variation 2179034 (VCV002179034.3), dbSNP rs1338745014, ClinGen allele CA464450812.

ClinVar aggregate classification (germline): Uncertain significance. Review status: criteria provided, multiple submitters, no conflicts (2 of 4 stars). 2 submissions from 2 submitters: Uncertain significance (2). Last evaluated 2025-04-21.

Conditions:
Anauxetic dysplasia. Identifiers: Orphanet 93347, MedGen C1846796, MONDO:0011773.

Allele frequency attached by ClinVar (database versions not stated): gnomAD 0.00001; gnomAD exomes 0.00001.
gnomAD v4.1: 8 of 700,296 alleles (0.0011%); highest among the groups gnomAD compares: East Asian, 0.0054%; no homozygotes.

Submissions (2):

Women's Health and Genetics/Laboratory Corporation of America, LabCorp
Classification: Uncertain significance. Last evaluated: 2025-04-21. Review status: criteria provided, single submitter. Criteria: LabCorp Variant Classification Summary - May 2015. Collection method: clinical testing. Allele origin: germline.
Comment: Variant summary: RMRP n.95A>G (also known as NC_000009.11: chr9:g.35657921T>C) alters a nucleotide in the non-coding RNA. The variant allele was found at a frequency of 1.5e-05 in 130498 control chromosomes (gnomAD). The available data on variant occurrences in the general population are insufficient to allow any conclusion about variant significance. To our knowledge, no occurrence of n.95A>G in individuals affected with Cartilage-Hair Hypoplasia and no experimental evidence demonstrating its impact on protein function have been reported. ClinVar contains an entry for this variant (Variation ID: 2179034). Based on the evidence outlined above, the variant was classified as uncertain significance.

Labcorp Genetics (formerly Invitae), Labcorp
Classification: Uncertain significance for Anauxetic dysplasia. Last evaluated: 2022-07-06. Review status: criteria provided, single submitter. Criteria: Invitae Variant Classification Sherloc (09022015). Collection method: clinical testing. Allele origin: germline.
Comment: This variant occurs in the RMRP gene, which encodes an RNA molecule that does not result in a protein product. This variant is present in population databases (no rsID available, gnomAD 0.002%). This variant has not been reported in the literature in individuals affected with RMRP-related conditions. Experimental studies and prediction algorithms are not available or were not evaluated, and the functional significance of this variant is currently unknown. In summary, the available evidence is currently insufficient to determine the role of this variant in disease. Therefore, it has been classified as a Variant of Uncertain Significance.